The following is an entry in ClinVar:

ClinVar aggregate classification (germline): Conflicting classifications of pathogenicity. Review status: criteria provided, conflicting classifications (1 of 4 stars). 5 submissions from 5 submitters: Uncertain significance (3); Benign (1); Likely benign (1). Last evaluated 2025-02-04.

Conditions:
Familial thoracic aortic aneurysm and aortic dissection (TAAD). Also called: Thoracic aortic aneurysms and dissections. Identifiers: Orphanet 91387, MedGen C4707243, MONDO:0019625.
Marfan syndrome (MFS). Also called: Marfan syndrome type 1; Marfan syndrome, classic; Marfan's syndrome; FBN1-Related Marfan Syndrome; MARFAN SYNDROME, TYPE I. Identifiers: Orphanet 284963, Orphanet 558, MedGen C0024796, MONDO:0007947, OMIM 154700.

Allele frequency attached by ClinVar (database versions not stated): TOPMed 0.00002; gnomAD exomes 0.00006 and 0.00001; 1000 Genomes Project 0.00020; gnomAD 0.00001; 1000 Genomes Project 30x 0.00016; ExAC 0.00005.
gnomAD v4.1: 20 of 1,613,504 alleles (0.0012%); highest among the groups gnomAD compares: Admixed American, 0.022%; 1 homozygote.

Submissions (5):

Labcorp Genetics (formerly Invitae), Labcorp
Classification: Benign for Marfan syndrome; Familial thoracic aortic aneurysm and aortic dissection. Last evaluated: 2025-02-04. Review status: criteria provided, single submitter. Criteria: Invitae Variant Classification Sherloc (09022015). Collection method: clinical testing. Allele origin: germline.

GeneDx
Classification: Uncertain significance. Last evaluated: 2023-07-05. Review status: criteria provided, single submitter. Criteria: GeneDx Variant Classification Process June 2021. Collection method: clinical testing. Allele origin: germline. Affected: yes.
Comment: Has not been previously published as pathogenic or benign to our knowledge; In silico analysis supports that this missense variant does not alter protein structure/function; Does not affect a cysteine residue within a calcium-binding EGF-like domain or a TGF-binding protein domain of the FBN1 gene; cysteine substitutions in the calcium-binding EGF-like domains represent the majority of pathogenic missense changes associated with FBN1-related disorders (Collod-Beroud et al., 2003); This variant is associated with the following publications: (PMID: 12938084)

Color Diagnostics, LLC DBA Color Health
Classification: Likely benign for Familial thoracic aortic aneurysm and aortic dissection. Last evaluated: 2020-08-09. Review status: criteria provided, single submitter. Criteria: ACMG Guidelines, 2015. Collection method: clinical testing. Allele origin: germline.

Ambry Genetics
Classification: Uncertain significance for Familial thoracic aortic aneurysm and aortic dissection. Last evaluated: 2020-07-09. Review status: criteria provided, single submitter. Criteria: Ambry Variant Classification Scheme 2023. Collection method: clinical testing. Allele origin: germline.
Comment: The p.R439Q variant (also known as c.1316G>A), located in coding exon 10 of the FBN1 gene, results from a G to A substitution at nucleotide position 1316. The arginine at codon 439 is replaced by glutamine, an amino acid with highly similar properties. Another alteration affecting the same amino acid, p.R439G (c.1315C>G), was reported in a patient with some features of Marfan syndrome (Arbustini E et al. Hum. Mutat., 2005 Nov;26:494). This amino acid position is highly conserved in available vertebrate species. In addition, the in silico prediction for this alteration is inconclusive. Since supporting evidence is limited at this time, the clinical significance of this alteration remains unclear.

ARUP Laboratories, Molecular Genetics and Genomics, ARUP Laboratories
Classification: Uncertain significance. Last evaluated: 2019-02-08. Review status: criteria provided, single submitter. Criteria: ARUP Molecular Germline Variant Investigation Process. Collection method: clinical testing. Allele origin: germline.
Comment: The FBN1 c.1316G>A; p.Arg439Gln variant (rs568810058), to our knowledge, is not reported in the medical literature but is reported in ClinVar (Variation ID: 519712). This variant is found in the Latino population with an overall allele frequency of 0.03% (12/34572 alleles) in the Genome Aggregation Database. The arginine at codon 439 is moderately conserved, but computational analyses (SIFT: tolerated, PolyPhen-2: damaging) predict conflicting effects of this variant on protein structure/function. While another variant at this codon (p.Arg439Gly) has been described in an individual with symptoms of Marfan syndrome, this individual did not fulfill Ghent criteria for diagnosed Marfan syndrome, and the variant was also found in the individual's mother who had no symptoms besides mitral valve prolapse (Arbustini 2005). However, computational predictors (Alamut v.2.11) indicate that the c.1316G>A; p.Arg439Gln variant may impact splicing by creating a novel cryptic splice acceptor site, though RNA analyses would be required to confirm this. Given the lack of clinical and functional data, the significance of the p.Arg439Gln variant is uncertain at this time. References: Arbustini E et al. Identification of sixty-two novel and twelve known FBN1 mutations in eighty-one unrelated probands with Marfan syndrome and other fibrillinopathies. Hum Mutat. 2005 Nov;26(5):494.

Literature cited by the submitters: PubMed 16222657 (cited by Ambry Genetics).

NM_000138.5(FBN1):c.1316G>A (p.Arg439Gln)

Gene: FBN1 (fibrillin 1; minus strand). Cytogenetic location: 15q21.1.
Variant type: single nucleotide variant.
Coding change: c.1316G>A on transcript NM_000138.5 (MANE Select); coding-DNA position 1316, G replaced by A.
Protein change: p.Arg439Gln; replaces arginine 439 with glutamine.
Molecular consequence: missense variant.
Genome position (GRCh38, 1-based): chr15:48,516,194, C>T on the plus strand (G>A on the coding strand, the complement: FBN1 is on the minus strand). VCF-style: chr15-48516194-C-T. GRCh37 (hg19) VCF-style: chr15-48808391-C-T.
Other names: short protein forms R439Q.
Identifiers: ClinVar variation 519712 (VCV000519712.22), dbSNP rs568810058, ClinGen allele CA044257.